The following is an entry in ClinVar:

ClinVar aggregate classification (germline): Likely benign. Review status: criteria provided, multiple submitters, no conflicts (2 of 4 stars). 2 submissions from 2 submitters: Likely benign (2). Last evaluated 2026-09-21.

Conditions:
HHAT-related disorder. Also called: HHAT-related condition.

Allele frequency attached by ClinVar (database versions not stated): ESP Exome Variant Server 0.00015; ExAC 0.00019; gnomAD 0.00009; TOPMed 0.00010.
gnomAD v4.1: 149 of 1,613,752 alleles (0.0092%); highest among the groups gnomAD compares: South Asian, 0.066%; 1 homozygote.

Submissions (2):

PreventionGenetics, part of Exact Sciences
Classification: Likely benign for HHAT-related condition. Last evaluated: 2026-09-21. Review status: criteria provided, single submitter. Criteria: ACMG Guidelines, 2015. Collection method: clinical testing. Allele origin: germline.
Comment: This variant is classified as likely benign based on ACMG/AMP sequence variant interpretation guidelines (Richards et al. 2015 PMID: 25741868, with internal and published modifications).

Labcorp Genetics (formerly Invitae), Labcorp
Classification: Likely benign. Last evaluated: 2024-01-29. Review status: criteria provided, single submitter. Criteria: Invitae Variant Classification Sherloc (09022015). Collection method: clinical testing. Allele origin: germline.

NM_018194.6(HHAT):c.1470C>T (p.Tyr490=)

Gene: HHAT (hedgehog acyltransferase; plus strand). Cytogenetic location: 1q32.2.
Variant type: single nucleotide variant.
Coding change: c.1470C>T on transcript NM_018194.6 (MANE Select); coding-DNA position 1470, C replaced by T.
Protein change: p.Tyr490=; no amino-acid change (tyrosine 490 retained).
Molecular consequence: synonymous variant.
Genome position (GRCh38, 1-based): chr1:210,674,367, C>T. VCF-style: chr1-210674367-C-T. GRCh37 (hg19) VCF-style: chr1-210847709-C-T.
Other names: c.1470C>T, p.Tyr490= (NM_001122834.4, NM_001170580.3); c.1059C>T, p.Tyr353= (NM_001170564.3); c.1473C>T, p.Tyr491= (NM_001170587.3); c.1275C>T, p.Tyr425= (NM_001170588.3); c.1470C>T (NM_018194.5).
Identifiers: ClinVar variation 2150321 (VCV002150321.5), dbSNP rs149330774, ClinGen allele CA1379506.